The following is an entry in ClinVar:

ClinVar aggregate classification (germline): Pathogenic (1 of 4 stars; one submission).

Submission:

Labcorp Genetics (formerly Invitae), Labcorp
Classification: Pathogenic. Last evaluated: 2023-04-05. Review status: criteria provided, single submitter. Criteria: Invitae Variant Classification Sherloc (09022015). Collection method: clinical testing. Allele origin: germline.
Comment: For these reasons, this variant has been classified as Pathogenic. This variant disrupts a region of the NDUFAF5 protein in which other variant(s) (p.Lys109Asn) have been determined to be pathogenic (PMID: 30473481). This suggests that this is a clinically significant region of the protein, and that variants that disrupt it are likely to be disease-causing. Disruption of the initiator codon has been observed in individual(s) with mitochondrial complex I deficiency (PMID: 35379322). This variant is not present in population databases (gnomAD no frequency). This sequence change affects the initiator methionine of the NDUFAF5 mRNA. The next in-frame methionine is located at codon 188.

Literature cited by the submitters: PubMed 30473481; PubMed 35379322.

NM_024120.5(NDUFAF5):c.3G>A (p.Met1Ile)

Genes: NDUFAF5 (NADH:ubiquinone oxidoreductase complex assembly factor 5; plus strand), LOC130065433 (ATAC-STARR-seq lymphoblastoid active region 17552; plus strand). Cytogenetic location: 20p12.1.
Variant type: single nucleotide variant.
Coding change: c.3G>A on transcript NM_024120.5 (MANE Select); coding-DNA position 3, G replaced by A.
Protein change: p.Met1Ile; changes the start codon (methionine 1).
Molecular consequence: missense variant, initiator codon variant. On other transcripts: 5 prime UTR variant (3), non-coding transcript variant (7).
Genome position (GRCh38, 1-based): chr20:13,785,071, G>A. VCF-style: chr20-13785071-G-A. GRCh37 (hg19) VCF-style: chr20-13765717-G-A.
Other names: c.3G>A, p.Met1Ile (NM_001039375.3, NM_001352408.2); c.-365G>A (NM_001352403.2); c.-579G>A (NM_001352406.2); c.-693G>A (NM_001352407.2); short protein forms M1I.
Identifiers: ClinVar variation 2797761 (VCV002797761.3), dbSNP rs2516090212, ClinGen allele CA408282069.
Genomic context (GRCh38, chr20:13,785,071, plus strand): 5'-AAAAGCCGCGCTGGCGCATGCGCACAAAAAGCGCCGGCAATTGGGGTCGCAGCTGGAGAT[G>A]CTGCGGCCGGCAGGGCTCTGGCGCTTATGTCGGCGACCTTGGGCGGCGAGGGTCCCAGCG-3'
Protein context (NP_077025.2, residues 1-11): [Met1Ile]LRPAGLWRLC